The following is an entry in ClinVar:

NM_002582.4(PARN):c.245A>G (p.Lys82Arg)

Gene: PARN (poly(A)-specific ribonuclease; minus strand). Cytogenetic location: 16p13.12.
Variant type: single nucleotide variant.
Coding change: c.245A>G on transcript NM_002582.4 (MANE Select); coding-DNA position 245, A replaced by G.
Protein change: p.Lys82Arg; replaces lysine 82 with arginine.
Molecular consequence: missense variant. On other transcripts: intron variant (1).
Genome position (GRCh38, 1-based): chr16:14,627,269, T>C on the plus strand (A>G on the coding strand, the complement: PARN is on the minus strand). VCF-style: chr16-14627269-T-C. GRCh37 (hg19) VCF-style: chr16-14721126-T-C.
Other names: c.62A>G, p.Lys21Arg (NM_001134477.3); c.159-133A>G (NM_001242992.2); short protein forms K21R, K82R.
Identifiers: ClinVar variation 988015 (VCV000988015.3), dbSNP rs201235100, ClinGen allele CA278541702.

ClinVar aggregate classification (germline): Uncertain significance. Review status: criteria provided, multiple submitters, no conflicts (2 of 4 stars). 3 submissions from 3 submitters: Uncertain significance (3). Last evaluated 2025-08-20.

Conditions:
Pulmonary fibrosis and/or bone marrow failure, Telomere-related, 4. Also called: PULMONARY FIBROSIS AND/OR BONE MARROW FAILURE SYNDROME, TELOMERE-RELATED, 4. Identifiers: Orphanet 2032, MedGen C4225347, MONDO:0014612, OMIM 616371.
Dyskeratosis congenita, autosomal recessive 6 (DKCB6). Identifiers: MedGen C4225356, MONDO:0014600, OMIM 616353.

Allele frequency attached by ClinVar (database versions not stated): gnomAD 0.00001; gnomAD exomes 0.00001; TOPMed 0.00001.
gnomAD v4.1: 14 of 1,592,600 alleles (0.00088%); highest among the groups gnomAD compares: Non-Finnish European, 0.0012%; no homozygotes.

Submissions (3):

Labcorp Genetics (formerly Invitae), Labcorp
Classification: Uncertain significance for Dyskeratosis congenita, autosomal recessive 6; Pulmonary fibrosis and/or bone marrow failure, Telomere-related, 4. Last evaluated: 2025-08-20. Review status: criteria provided, single submitter. Criteria: Invitae Variant Classification Sherloc (09022015). Collection method: clinical testing. Allele origin: germline.
Comment: This sequence change replaces lysine, which is basic and polar, with arginine, which is basic and polar, at codon 82 of the PARN protein (p.Lys82Arg). This variant is not present in population databases (gnomAD no frequency). This variant has not been reported in the literature in individuals affected with PARN-related conditions. ClinVar contains an entry for this variant (Variation ID: 988015). An algorithm developed to predict the effect of missense changes on protein structure and function (PolyPhen-2) suggests that this variant is likely to be tolerated. In summary, the available evidence is currently insufficient to determine the role of this variant in disease. Therefore, it has been classified as a Variant of Uncertain Significance.

Blueprint Genetics
Classification: Uncertain significance. Last evaluated: 2024-02-21. Review status: criteria provided, single submitter. Criteria: ACMG Guidelines, 2015. Collection method: clinical testing. Allele origin: germline.

Johns Hopkins Genomics, Johns Hopkins University
Classification: Uncertain significance for Pulmonary fibrosis and/or bone marrow failure, Telomere-related, 4. Last evaluated: 2020-11-16. Review status: criteria provided, single submitter. Criteria: ACMG Guidelines, 2015. Collection method: clinical testing. Allele origin: germline.
Comment: This PARN variant is absent from a large population dataset and has not been reported in ClinVar nor the literature, to our knowledge. Of three bioinformatics tools queried, two predict that the substitution would be tolerated, while one predicts that it would be possibly damaging. The lysine residue at this position is highly evolutionarily conserved across most species assessed. We consider the clinical significance of c.245A>G to be uncertain at this time.